The following is an entry in ClinVar:

NM_001347721.2(DYRK1A):c.1264A>G (p.Thr422Ala)

Gene: DYRK1A (dual specificity tyrosine phosphorylation regulated kinase 1A; plus strand). Cytogenetic location: 21q22.13.
Variant type: single nucleotide variant.
Coding change: c.1264A>G on transcript NM_001347721.2 (MANE Select); coding-DNA position 1264, A replaced by G.
Protein change: p.Thr422Ala; replaces threonine 422 with alanine.
Molecular consequence: missense variant.
Genome position (GRCh38, 1-based): chr21:37,505,334, A>G. VCF-style: chr21-37505334-A-G. GRCh37 (hg19) VCF-style: chr21-38877637-A-G.
Other names: c.1264A>G, p.Thr422Ala (NM_001347722.2, NM_130436.2); c.1177A>G, p.Thr393Ala (NM_001347723.2); c.1291A>G, p.Thr431Ala (NM_001396.5, NM_101395.2, NM_130438.2); short protein forms T431A, T393A, T422A.
Identifiers: ClinVar variation 452982 (VCV000452982.12), dbSNP rs1459549692, ClinGen allele CA409938038.
Genomic context (GRCh38, chr21:37,505,334, plus strand): 5'-CTCTTACAGGAGTACAAACCACCAGGAACCCGTAAACTTCATAACATTCTTGGAGTGGAA[A>G]CAGGAGGACCTGGTGGGCGACGTGCTGGGGAGTCAGGTCATACGGTCGCTGACTACTTGA-3'
Protein context (NP_001334650.1, residues 412-432): RKLHNILGVE[Thr422Ala]GGPGGRRAGE

ClinVar aggregate classification (germline): Uncertain significance. Review status: criteria provided, multiple submitters, no conflicts (2 of 4 stars). 2 submissions from 2 submitters: Uncertain significance (2). Last evaluated 2023-11-24.

Conditions:
DYRK1A-related intellectual disability syndrome (MRD7). Also called: Intellectual developmental disorder, autosomal dominant 7; DYRK1A Syndrome. Identifiers: Orphanet 464306, MedGen C5568143, MONDO:0013578, OMIM 614104.

Allele frequency attached by ClinVar (database versions not stated): gnomAD exomes 0.00001; TOPMed 0.00001.
gnomAD v4.1: 3 of 1,614,158 alleles (0.00019%); highest among the groups gnomAD compares: Admixed American, 0.005%; no homozygotes.

Submissions (2):

Labcorp Genetics (formerly Invitae), Labcorp
Classification: Uncertain significance for DYRK1A-related intellectual disability syndrome. Last evaluated: 2023-11-24. Review status: criteria provided, single submitter. Criteria: Invitae Variant Classification Sherloc (09022015). Collection method: clinical testing. Allele origin: germline.
Comment: This sequence change replaces threonine, which is neutral and polar, with alanine, which is neutral and non-polar, at codon 431 of the DYRK1A protein (p.Thr431Ala). This variant is present in population databases (no rsID available, gnomAD 0.009%). This variant has not been reported in the literature in individuals affected with DYRK1A-related conditions. ClinVar contains an entry for this variant (Variation ID: 452982). Advanced modeling of protein sequence and biophysical properties (such as structural, functional, and spatial information, amino acid conservation, physicochemical variation, residue mobility, and thermodynamic stability) performed at Invitae indicates that this missense variant is not expected to disrupt DYRK1A protein function with a negative predictive value of 95%. In summary, the available evidence is currently insufficient to determine the role of this variant in disease. Therefore, it has been classified as a Variant of Uncertain Significance.

GeneDx
Classification: Uncertain significance. Last evaluated: 2017-10-25. Review status: criteria provided, single submitter. Criteria: GeneDx Variant Classification (06012015). Collection method: clinical testing. Allele origin: germline. Affected: yes.
Comment: A variant of uncertain significance has been identified in the DYRK1A gene. The T431A variant has not been published as a pathogenic variant, nor has it been reported as a benign variant to our knowledge. The T431A variant is observed in 3/33,580 (0.009%) alleles from individuals of Latino background in large population cohorts (Lek et al., 2016). The T431A variant is a non-conservative amino acid substitution, which is likely to impact secondary protein structure as these residues differ in polarity, charge, size and/or other properties. This substitution occurs at aposition where amino acids with similar properties to Threonine are tolerated across species. In silico analysis predicts this variant is probably damaging to the protein structure/function. Therefore, based on the currently available information, it is unclear whether this variant is a pathogenic variant or a rare benign variant.